The following is an entry in ClinVar:

NM_012418.4(FSCN2):c.781G>A (p.Val261Met)

Gene: FSCN2 (fascin actin-bundling protein 2, retinal; plus strand). Cytogenetic location: 17q25.3.
Variant type: single nucleotide variant.
Coding change: c.781G>A on transcript NM_012418.4 (MANE Select); coding-DNA position 781, G replaced by A.
Protein change: p.Val261Met; replaces valine 261 with methionine.
Molecular consequence: missense variant.
Genome position (GRCh38, 1-based): chr17:81,529,312, G>A. VCF-style: chr17-81529312-G-A. GRCh37 (hg19) VCF-style: chr17-79496338-G-A.
Other names: c.781G>A, p.Val261Met (NM_001077182.3); short protein forms V261M.
Identifiers: ClinVar variation 2011659 (VCV002011659.4), dbSNP rs782162508, ClinGen allele CA8836776.

ClinVar aggregate classification (germline): Uncertain significance (1 of 4 stars; one submission).

Allele frequency attached by ClinVar (database versions not stated): gnomAD 0.00001.

Submission:

Labcorp Genetics (formerly Invitae), Labcorp
Classification: Uncertain significance. Last evaluated: 2022-06-28. Review status: criteria provided, single submitter. Criteria: Invitae Variant Classification Sherloc (09022015). Collection method: clinical testing. Allele origin: germline.
Comment: In summary, the available evidence is currently insufficient to determine the role of this variant in disease. Therefore, it has been classified as a Variant of Uncertain Significance. Algorithms developed to predict the effect of missense changes on protein structure and function are either unavailable or do not agree on the potential impact of this missense change (SIFT: "Deleterious"; PolyPhen-2: "Probably Damaging"; Align-GVGD: "Class C0"). This variant has not been reported in the literature in individuals affected with FSCN2-related conditions. This variant is present in population databases (rs782162508, gnomAD 0.001%). This sequence change replaces valine, which is neutral and non-polar, with methionine, which is neutral and non-polar, at codon 261 of the FSCN2 protein (p.Val261Met).